The following is an entry in ClinVar:

NM_030912.3(TRIM8):c.1465C>T (p.Arg489Cys)

Gene: TRIM8 (tripartite motif containing 8; plus strand). Cytogenetic location: 10q24.32.
Variant type: single nucleotide variant.
Coding change: c.1465C>T on transcript NM_030912.3 (MANE Select); coding-DNA position 1465, C replaced by T.
Protein change: p.Arg489Cys; replaces arginine 489 with cysteine.
Molecular consequence: missense variant. On other transcripts: non-coding transcript variant (1).
Genome position (GRCh38, 1-based): chr10:102,657,163, C>T. VCF-style: chr10-102657163-C-T. GRCh37 (hg19) VCF-style: chr10-104416920-C-T.
Other names: c.1369C>T, p.Arg457Cys (NM_001345950.1); short protein forms R489C, R457C.
Identifiers: ClinVar variation 1922132 (VCV001922132.5), dbSNP rs753664423, ClinGen allele CA377932662.

ClinVar aggregate classification (germline): Uncertain significance (1 of 4 stars; one submission).

Allele frequency attached by ClinVar (database versions not stated): gnomAD 0.00001; TOPMed 0.00001.
gnomAD v4.1: 4 of 1,613,776 alleles (0.00025%); highest among the groups gnomAD compares: African/African-American, 0.0013%; no homozygotes.

Submission:

Labcorp Genetics (formerly Invitae), Labcorp
Classification: Uncertain significance. Last evaluated: 2023-11-27. Review status: criteria provided, single submitter. Criteria: Invitae Variant Classification Sherloc (09022015). Collection method: clinical testing. Allele origin: germline.
Comment: This sequence change replaces arginine, which is basic and polar, with cysteine, which is neutral and slightly polar, at codon 489 of the TRIM8 protein (p.Arg489Cys). This variant is present in population databases (no rsID available, gnomAD 0.0009%). This variant has not been reported in the literature in individuals affected with TRIM8-related conditions. ClinVar contains an entry for this variant (Variation ID: 1922132). An algorithm developed to predict the effect of missense changes on protein structure and function (PolyPhen-2) suggests that this variant is likely to be disruptive. In summary, the available evidence is currently insufficient to determine the role of this variant in disease. Therefore, it has been classified as a Variant of Uncertain Significance.